The following is an entry in ClinVar:

ClinVar aggregate classification (germline): Uncertain significance. Review status: criteria provided, multiple submitters, no conflicts (2 of 4 stars). 2 submissions from 2 submitters: Uncertain significance (2). Last evaluated 2020-12-31.

Conditions:
Familial adenomatous polyposis 1 (FAP1). Also called: POLYPOSIS, ADENOMATOUS INTESTINAL; FAMILIAL ADENOMATOUS POLYPOSIS 1, ATTENUATED. Identifiers: MedGen C2713442, MONDO:0021056, OMIM 175100. Disease mechanism: loss of function.
Hereditary cancer-predisposing syndrome. Also called: Neoplastic Syndromes, Hereditary; Tumor predisposition; Hereditary neoplastic syndrome; Hereditary Cancer Syndrome. Identifiers: Orphanet 140162, MedGen C0027672, MeSH D009386, MONDO:0015356.

Submissions (2):

Labcorp Genetics (formerly Invitae), Labcorp
Classification: Uncertain significance for Familial adenomatous polyposis 1. Last evaluated: 2020-12-31. Review status: criteria provided, single submitter. Criteria: Invitae Variant Classification Sherloc (09022015). Collection method: clinical testing. Allele origin: germline.
Comment: This sequence change replaces glutamine with glutamic acid at codon 2344 of the APC protein (p.Gln2344Glu). The glutamine residue is highly conserved and there is a small physicochemical difference between glutamine and glutamic acid. This variant is not present in population databases (ExAC no frequency). This variant has not been reported in the literature in individuals with APC-related conditions. ClinVar contains an entry for this variant (Variation ID: 826787). Algorithms developed to predict the effect of missense changes on protein structure and function are either unavailable or do not agree on the potential impact of this missense change (SIFT: "Tolerated"; PolyPhen-2: "Probably Damaging"; Align-GVGD: "Class C0"). In summary, the available evidence is currently insufficient to determine the role of this variant in disease. Therefore, it has been classified as a Variant of Uncertain Significance.

Ambry Genetics
Classification: Uncertain significance for Hereditary cancer-predisposing syndrome. Last evaluated: 2019-08-26. Review status: criteria provided, single submitter. Criteria: Ambry Variant Classification Scheme 2023. Collection method: clinical testing. Allele origin: germline.
Comment: The p.Q2344E variant (also known as c.7030C>G), located in coding exon 15 of the APC gene, results from a C to G substitution at nucleotide position 7030. The glutamine at codon 2344 is replaced by glutamic acid, an amino acid with highly similar properties. This amino acid position is highly conserved in available vertebrate species. In addition, in silico predictors for this gene do not accurately predict pathogenicity. Since supporting evidence is limited at this time, the clinical significance of this alteration remains unclear.

NM_000038.6(APC):c.7030C>G (p.Gln2344Glu)

Gene: APC (APC regulator of Wnt signaling pathway; plus strand). Cytogenetic location: 5q22.2.
Variant type: single nucleotide variant.
Coding change: c.7030C>G on transcript NM_000038.6 (MANE Select); coding-DNA position 7030, C replaced by G.
Protein change: p.Gln2344Glu; replaces glutamine 2344 with glutamic acid.
Molecular consequence: missense variant.
Genome position (GRCh38, 1-based): chr5:112,842,624, C>G. VCF-style: chr5-112842624-C-G. GRCh37 (hg19) VCF-style: chr5-112178321-C-G.
Other names: c.7030C>G, p.Gln2344Glu (NM_001127510.3, NM_001354895.2); c.6976C>G, p.Gln2326Glu (NM_001127511.3); c.7084C>G, p.Gln2362Glu (NM_001354896.2); c.7060C>G, p.Gln2354Glu (NM_001354897.2); c.6955C>G, p.Gln2319Glu (NM_001354898.2); c.6946C>G, p.Gln2316Glu (NM_001354899.2); c.6907C>G, p.Gln2303Glu (NM_001354900.2); c.6853C>G, p.Gln2285Glu (NM_001354901.2); and 5 more; short protein forms Q2253E, Q2326E, Q2354E, Q2061E, Q2243E, Q2319E, Q2218E, Q2303E.
Identifiers: ClinVar variation 826787 (VCV000826787.12), dbSNP rs1580677644, ClinGen allele CA16036655.